The following is an entry in ClinVar:

ClinVar aggregate classification (germline): Uncertain significance (1 of 4 stars; one submission).

Submission:

GeneDx
Classification: Uncertain significance. Last evaluated: 2024-01-17. Review status: criteria provided, single submitter. Criteria: GeneDx Variant Classification Process June 2021. Collection method: clinical testing. Allele origin: germline. Affected: yes.
Comment: Not observed at significant frequency in large population cohorts (gnomAD); In silico analysis supports that this missense variant does not alter protein structure/function; Has not been previously published as pathogenic or benign to our knowledge

NM_015021.3(ZNF292):c.1957G>T (p.Gly653Cys)

Gene: ZNF292 (zinc finger protein 292; plus strand). Cytogenetic location: 6q14.3.
Variant type: single nucleotide variant.
Coding change: c.1957G>T on transcript NM_015021.3 (MANE Select); coding-DNA position 1957, G replaced by T.
Protein change: p.Gly653Cys; replaces glycine 653 with cysteine.
Molecular consequence: missense variant.
Genome position (GRCh38, 1-based): chr6:87,255,586, G>T. VCF-style: chr6-87255586-G-T. GRCh37 (hg19) VCF-style: chr6-87965304-G-T.
Other names: c.1537G>T, p.Gly513Cys (NM_001351444.2); short protein forms G513C, G653C.
Identifiers: ClinVar variation 3367534 (VCV003367534.1).